The following is an entry in ClinVar:

ClinVar aggregate classification (germline): Likely benign. Review status: reviewed by expert panel (3 of 4 stars). 2 submissions from 2 submitters: Likely benign (1). 1 of the submissions does not count toward it. Last evaluated 2017-06-29.

Conditions:
Hereditary cancer-predisposing syndrome. Also called: Hereditary Cancer Syndrome; Neoplastic Syndromes, Hereditary; Tumor predisposition; Hereditary neoplastic syndrome. Identifiers: Orphanet 140162, MedGen C0027672, MeSH D009386, MONDO:0015356.
Breast-ovarian cancer, familial, susceptibility to, 2 (BROVCA2). Also called: BRCA2 Hereditary Breast and Ovarian Cancer. Identifiers: Orphanet 145, MedGen C2675520, MONDO:0012933, OMIM 612555. Disease mechanism: loss of function.

Submissions (2):

Evidence-based Network for the Interpretation of Germline Mutant Alleles (ENIGMA)
Classification: Likely benign for Breast-ovarian cancer, familial, susceptibility to, 2. Last evaluated: 2017-06-29. Review status: reviewed by expert panel. Criteria: ENIGMA BRCA1/2 Classification Criteria (2017-06-29). Collection method: curation. Allele origin: germline.
Comment: Synonymous substitution variant, with low bioinformatic likelihood to result in a splicing aberration (Splicing prior probability 0.02).

Ambry Genetics
Classification: Likely benign for Hereditary cancer-predisposing syndrome. Last evaluated: 2015-01-19. Review status: criteria provided, single submitter. Criteria: Ambry Variant Classification Scheme 2023. Collection method: clinical testing. Allele origin: germline. Not counted in ClinVar's aggregate classification.

NM_000059.4(BRCA2):c.6729T>A (p.Ser2243=)

Gene: BRCA2 (BRCA2 DNA repair associated; plus strand). Cytogenetic location: 13q13.1.
Variant type: single nucleotide variant.
Coding change: c.6729T>A on transcript NM_000059.4 (MANE Select); coding-DNA position 6729, T replaced by A.
Protein change: p.Ser2243=; no amino-acid change (serine 2243 retained).
Molecular consequence: synonymous variant.
Genome position (GRCh38, 1-based): chr13:32,341,084, T>A. VCF-style: chr13-32341084-T-A. GRCh37 (hg19) VCF-style: chr13-32915221-T-A.
Identifiers: ClinVar variation 230161 (VCV000230161.7), dbSNP rs876658420, ClinGen allele CA10579708.